The following is an entry in ClinVar:

NM_006949.4(STXBP2):c.523C>G (p.Gln175Glu)

Gene: STXBP2 (syntaxin binding protein 2; plus strand). Cytogenetic location: 19p13.2.
Variant type: single nucleotide variant.
Coding change: c.523C>G on transcript NM_006949.4 (MANE Select); coding-DNA position 523, C replaced by G.
Protein change: p.Gln175Glu; replaces glutamine 175 with glutamic acid.
Molecular consequence: missense variant. On other transcripts: non-coding transcript variant (1).
Genome position (GRCh38, 1-based): chr19:7,641,798, C>G. VCF-style: chr19-7641798-C-G. GRCh37 (hg19) VCF-style: chr19-7706684-C-G.
Other names: c.514C>G, p.Gln172Glu (NM_001127396.3); c.556C>G, p.Gln186Glu (NM_001272034.2); c.427C>G, p.Gln143Glu (NM_001414484.1); short protein forms Q143E, Q172E, Q175E, Q186E.
Identifiers: ClinVar variation 3343534 (VCV003343534.1).

ClinVar aggregate classification (germline): Uncertain significance (1 of 4 stars; one submission).

Submission:

GeneDx
Classification: Uncertain significance. Last evaluated: 2023-05-18. Review status: criteria provided, single submitter. Criteria: GeneDx Variant Classification Process June 2021. Collection method: clinical testing. Allele origin: germline. Affected: yes.
Comment: Not observed at significant frequency in large population cohorts (gnomAD); In silico analysis supports that this missense variant has a deleterious effect on protein structure/function; Has not been previously published as pathogenic or benign to our knowledge